The following is an entry in ClinVar:

NM_014865.4(NCAPD2):c.885A>G (p.Ser295=)

Gene: NCAPD2 (non-SMC condensin I complex subunit D2; plus strand). Cytogenetic location: 12p13.31.
Variant type: single nucleotide variant.
Coding change: c.885A>G on transcript NM_014865.4 (MANE Select); coding-DNA position 885, A replaced by G.
Protein change: p.Ser295=; no amino-acid change (serine 295 retained).
Molecular consequence: synonymous variant.
Genome position (GRCh38, 1-based): chr12:6,514,818, A>G. VCF-style: chr12-6514818-A-G. GRCh37 (hg19) VCF-style: chr12-6623984-A-G.
Identifiers: ClinVar variation 5038836 (VCV005038836.1).

ClinVar aggregate classification (germline): Likely benign (1 of 4 stars; one submission).

gnomAD v4.1: 25 of 1,614,138 alleles (0.0015%); highest among the groups gnomAD compares: Middle Eastern, 0.016%; no homozygotes.

Submission:

CeGaT Center for Human Genetics Tuebingen
Classification: Likely benign. Last evaluated: 2026-07-01. Review status: criteria provided, single submitter. Criteria: CeGaT Center For Human Genetics Tuebingen Variant Classification Criteria Version 2. Collection method: clinical testing. Allele origin: germline. Affected: yes. Observed: 1 variant allele.
Comment: NCAPD2: BP4, BP7